The following is an entry in ClinVar:

NM_001211.6(BUB1B):c.2455T>C (p.Phe819Leu)

Gene: BUB1B (BUB1 mitotic checkpoint serine/threonine kinase B; plus strand). Cytogenetic location: 15q15.1.
Variant type: single nucleotide variant.
Coding change: c.2455T>C on transcript NM_001211.6 (MANE Select); coding-DNA position 2455, T replaced by C.
Protein change: p.Phe819Leu; replaces phenylalanine 819 with leucine.
Molecular consequence: missense variant.
Genome position (GRCh38, 1-based): chr15:40,212,568, T>C. VCF-style: chr15-40212568-T-C. GRCh37 (hg19) VCF-style: chr15-40504769-T-C.
Other names: short protein forms F819L.
Identifiers: ClinVar variation 3221390 (VCV003221390.1), dbSNP rs2542575431, ClinGen allele CA391695263.

ClinVar aggregate classification (germline): Uncertain significance (1 of 4 stars; one submission).

Conditions:
Inborn genetic diseases. Identifiers: MedGen C0950123, MeSH D030342.

Submission:

Ambry Genetics
Classification: Uncertain significance for Inborn genetic diseases. Last evaluated: 2023-09-21. Review status: criteria provided, single submitter. Criteria: Ambry Variant Classification Scheme 2023. Collection method: clinical testing. Allele origin: germline.
Comment: The p.F819L variant (also known as c.2455T>C), located in coding exon 19 of the BUB1B gene, results from a T to C substitution at nucleotide position 2455. The phenylalanine at codon 819 is replaced by leucine, an amino acid with highly similar properties. This amino acid position is conserved. In addition, this alteration is predicted to be tolerated by in silico analysis. Since supporting evidence is limited at this time, the clinical significance of this alteration remains unclear.